The following is an entry in ClinVar:

ClinVar aggregate classification (germline): Uncertain significance (1 of 4 stars; one submission).

Conditions:
Tuberous sclerosis 2 (TSC2). Identifiers: Orphanet 805, MedGen C1860707, MONDO:0013199, OMIM 613254.

Submission:

Labcorp Genetics (formerly Invitae), Labcorp
Classification: Uncertain significance for Tuberous sclerosis 2. Last evaluated: 2024-10-21. Review status: criteria provided, single submitter. Criteria: Invitae Variant Classification Sherloc (09022015). Collection method: clinical testing. Allele origin: germline.
Comment: This sequence change replaces threonine, which is neutral and polar, with alanine, which is neutral and non-polar, at codon 1780 of the TSC2 protein (p.Thr1780Ala). This variant is not present in population databases (gnomAD no frequency). This variant has not been reported in the literature in individuals affected with TSC2-related conditions. Invitae Evidence Modeling of protein sequence and biophysical properties (such as structural, functional, and spatial information, amino acid conservation, physicochemical variation, residue mobility, and thermodynamic stability) indicates that this missense variant is not expected to disrupt TSC2 protein function with a negative predictive value of 95%. In summary, the available evidence is currently insufficient to determine the role of this variant in disease. Therefore, it has been classified as a Variant of Uncertain Significance.

NM_000548.5(TSC2):c.5338A>G (p.Thr1780Ala)

Gene: TSC2 (TSC complex subunit 2; plus strand). Cytogenetic location: 16p13.3.
Variant type: single nucleotide variant.
Coding change: c.5338A>G on transcript NM_000548.5 (MANE Select); coding-DNA position 5338, A replaced by G.
Protein change: p.Thr1780Ala; replaces threonine 1780 with alanine.
Molecular consequence: missense variant. On other transcripts: non-coding transcript variant (5).
Genome position (GRCh38, 1-based): chr16:2,088,524, A>G. VCF-style: chr16-2088524-A-G. GRCh37 (hg19) VCF-style: chr16-2138525-A-G.
Other names: c.5206A>G, p.Thr1736Ala (NM_001370404.1); c.5197A>G, p.Thr1733Ala (NM_001370405.1); c.5335A>G, p.Thr1779Ala (NM_001406663.1); c.5266A>G, p.Thr1756Ala (NM_001406664.1); c.5260A>G, p.Thr1754Ala (NM_001406665.1); c.5230A>G, p.Thr1744Ala (NM_001406667.1); c.5227A>G, p.Thr1743Ala (NM_001406668.1); c.5158A>G, p.Thr1720Ala (NM_001406670.1); and 27 more; short protein forms T1266A, T1289A, T1309A, T1513A, T1556A, T1557A, T1664A, T1665A.
Identifiers: ClinVar variation 2840486 (VCV002840486.3), dbSNP rs989487316, ClinGen allele CA394315648.